The following is an entry in ClinVar:

NM_017654.4(SAMD9):c.2838C>A (p.Asn946Lys)

Gene: SAMD9 (sterile alpha motif domain containing 9; minus strand). Cytogenetic location: 7q21.2.
Variant type: single nucleotide variant.
Coding change: c.2838C>A on transcript NM_017654.4 (MANE Select); coding-DNA position 2838, C replaced by A.
Protein change: p.Asn946Lys; replaces asparagine 946 with lysine.
Molecular consequence: missense variant.
Genome position (GRCh38, 1-based): chr7:93,103,260, G>T on the plus strand (C>A on the coding strand, the complement: SAMD9 is on the minus strand). VCF-style: chr7-93103260-G-T. GRCh37 (hg19) VCF-style: chr7-92732573-G-T.
Other names: c.2838C>A, p.Asn946Lys (NM_001193307.2); short protein forms N946K.
Identifiers: ClinVar variation 5028830 (VCV005028830.1).

ClinVar aggregate classification (germline): Uncertain significance (1 of 4 stars; one submission).

Conditions:
Inborn genetic diseases. Identifiers: MedGen C0950123, MeSH D030342.

Submission:

Ambry Genetics
Classification: Uncertain significance for Inborn genetic diseases. Last evaluated: 2026-09-14. Review status: criteria provided, single submitter. Criteria: Ambry Variant Classification Scheme 2023. Collection method: clinical testing. Allele origin: germline.
Comment: The p.N946K variant (also known as c.2838C>A), located in coding exon 1 of the SAMD9 gene, results from a C to A substitution at nucleotide position 2838. The asparagine at codon 946 is replaced by lysine, an amino acid with similar properties. This amino acid position is conserved. In addition, this alteration is predicted to be tolerated by in silico analysis. Based on the available evidence, the clinical significance of this variant remains unclear.